The following is an entry in ClinVar:

ClinVar aggregate classification (germline): Likely pathogenic (1 of 4 stars; one submission).

Conditions:
Achondrogenesis, type IA (ACG1A). Identifiers: Orphanet 932, Orphanet 93299, MedGen C0265273, MONDO:0008701, OMIM 200600.

Allele frequency attached by ClinVar (database versions not stated): ExAC 0.00001.

Submission:

Labcorp Genetics (formerly Invitae), Labcorp
Classification: Likely pathogenic for Achondrogenesis, type IA. Last evaluated: 2022-03-26. Review status: criteria provided, single submitter. Criteria: Invitae Variant Classification Sherloc (09022015). Collection method: clinical testing. Allele origin: germline.
Comment: In summary, the currently available evidence indicates that the variant is pathogenic, but additional data are needed to prove that conclusively. Therefore, this variant has been classified as Likely Pathogenic. Algorithms developed to predict the effect of sequence changes on RNA splicing suggest that this variant may disrupt the consensus splice site. This variant has not been reported in the literature in individuals affected with TRIP11-related conditions. This variant is present in population databases (rs756320900, gnomAD 0.0009%). This sequence change affects a donor splice site in intron 7 of the TRIP11 gene. It is expected to disrupt RNA splicing. Variants that disrupt the donor or acceptor splice site typically lead to a loss of protein function (PMID: 16199547), and loss-of-function variants in TRIP11 are known to be pathogenic (PMID: 20089971, 23956106).

Literature cited by the submitters: PubMed 16199547; PubMed 20089971; PubMed 23956106.

NM_004239.4(TRIP11):c.1186+1G>C

Gene: TRIP11 (thyroid hormone receptor interactor 11; minus strand). Cytogenetic location: 14q32.12.
Variant type: single nucleotide variant.
Coding change: c.1186+1G>C on transcript NM_004239.4 (MANE Select); the canonical splice donor site of the intron after coding-DNA position 1186, G replaced by C.
Molecular consequence: splice donor variant.
Genome position (GRCh38, 1-based): chr14:92,014,214, C>G on the plus strand (G>C on the coding strand, the complement: TRIP11 is on the minus strand). VCF-style: chr14-92014214-C-G. GRCh37 (hg19) VCF-style: chr14-92480558-C-G.
Other names: c.1183+1G>C (NM_001321851.1).
Identifiers: ClinVar variation 1912259 (VCV001912259.5), dbSNP rs756320900, ClinGen allele CA7314016.